The following continues an entry in ClinVar:

NM_000059.4(BRCA2):c.5199C>T (p.Ser1733=)

Gene: BRCA2. ClinVar aggregate classification (germline): Benign. Benign (1).

Submissions 20 to 38 of 38:

Eurofins Ntd Llc (ga)
Classification: Benign. Last evaluated: 2016-01-11. Review status: criteria provided, single submitter. Criteria: EGL Classification Definitions 2015. Collection method: clinical testing. Allele origin: germline. Observed: 5 variant alleles, 5 heterozygotes. Not counted in ClinVar's aggregate classification.

Clinical Genetics DNA and cytogenetics Diagnostics Lab, Erasmus MC, Erasmus Medical Center
Classification: Benign for Breast-ovarian cancer, familial, susceptibility to, 2. Last evaluated: 2015-09-21. Review status: criteria provided, single submitter. Criteria: ACGS Guidelines, 2013. Collection method: clinical testing. Allele origin: germline. Affected: yes. Study: VKGL Data-share Consensus. Not counted in ClinVar's aggregate classification.

Color Diagnostics, LLC DBA Color Health
Classification: Benign for Hereditary cancer-predisposing syndrome. Last evaluated: 2015-04-06. Review status: criteria provided, single submitter. Criteria: ACMG Guidelines, 2015. Collection method: clinical testing. Allele origin: germline. Not counted in ClinVar's aggregate classification.

Molecular Genetics Laboratory, University of Michigan
Classification: Benign for Breast-ovarian cancer, familial, susceptibility to, 2. Last evaluated: 2014-11-03. Review status: criteria provided, single submitter. Criteria: ACMG Guidelines, 2015. Collection method: clinical testing. Allele origin: germline. Affected: yes. Not counted in ClinVar's aggregate classification.

Genome Diagnostics Laboratory, University Medical Center Utrecht
Classification: Benign for Breast-ovarian cancer, familial, susceptibility to, 2. Last evaluated: 2014-10-10. Review status: criteria provided, single submitter. Criteria: ACGS Guidelines, 2013. Collection method: clinical testing. Allele origin: germline. Affected: yes. Study: VKGL Data-share Consensus. Not counted in ClinVar's aggregate classification.

Ambry Genetics
Classification: Likely benign for Hereditary cancer-predisposing syndrome. Last evaluated: 2014-05-28. Review status: criteria provided, single submitter. Criteria: Ambry Variant Classification Scheme 2023. Collection method: clinical testing. Allele origin: germline. Not counted in ClinVar's aggregate classification.

Women's Health and Genetics/Laboratory Corporation of America, LabCorp
Classification: Benign for Hereditary breast ovarian cancer syndrome. Last evaluated: 2014-01-27. Review status: criteria provided, single submitter. Criteria: LabCorp Variant Classification Summary - May 2015. Collection method: clinical testing. Allele origin: germline. Not counted in ClinVar's aggregate classification.

GeneDx
Classification: Benign. Last evaluated: 2013-10-09. Review status: criteria provided, single submitter. Criteria: GeneDx Variant Classification (06012015). Collection method: clinical testing. Allele origin: germline. Affected: yes. Not counted in ClinVar's aggregate classification.
Comment: This variant is considered likely benign or benign based on one or more of the following criteria: it is a conservative change, it occurs at a poorly conserved position in the protein, it is predicted to be benign by multiple in silico algorithms, and/or has population frequency not consistent with disease.

Breakthrough Genomics
Classification: Benign. Review status: criteria provided, single submitter. Criteria: ACMG Guidelines, 2015. Collection method: not provided. Allele origin: germline. Inheritance: Autosomal recessive inheritance. Affected: yes. Not counted in ClinVar's aggregate classification.

True Health Diagnostics
Classification: Likely benign for Hereditary cancer-predisposing syndrome. Last evaluated: 2017-09-29. Review status: no assertion criteria provided. Collection method: clinical testing. Allele origin: germline. Not counted in ClinVar's aggregate classification.

Mayo Clinic Laboratories, Mayo Clinic
Classification: Benign. Last evaluated: 2017-05-15. Review status: no assertion criteria provided. Collection method: clinical testing. Allele origin: unknown. Not counted in ClinVar's aggregate classification.

Counsyl
Classification: Likely benign for Breast-ovarian cancer, familial 2. Last evaluated: 2014-04-04. Review status: no assertion criteria provided. Collection method: literature only. Allele origin: unknown. Inheritance: Autosomal dominant inheritance. Not counted in ClinVar's aggregate classification.

Sharing Clinical Reports Project (SCRP)
Classification: Benign for Breast-ovarian cancer, familial 2. Last evaluated: 2011-03-14. Review status: no assertion criteria provided. Collection method: clinical testing. Allele origin: germline. Not counted in ClinVar's aggregate classification.

Breast Cancer Information Core (BIC) (BRCA2)
Classification: Benign for Breast-ovarian cancer, familial 2. Last evaluated: 2000-06-12. Review status: no assertion criteria provided. Collection method: clinical testing. Allele origin: germline. Affected: yes. Observed: 14 variant alleles. Not counted in ClinVar's aggregate classification.

Clinical Genetics Laboratory, Department of Pathology, Netherlands Cancer Institute
Classification: Benign. Review status: no assertion criteria provided. Collection method: clinical testing. Allele origin: germline. Affected: yes. Study: VKGL Data-share Consensus. Not counted in ClinVar's aggregate classification.

Department of Pathology and Laboratory Medicine, Sinai Health System
Classification: Benign. Review status: no assertion criteria provided. Collection method: clinical testing. Allele origin: unknown. Affected: yes. Study: The Canadian Open Genetics Repository (COGR). Not counted in ClinVar's aggregate classification.
Comment: The BRCA2 p.Ser1733Ser variant is not expected to have clinical significance because it does not result in a change of amino acid and is not located in a known consensus splice site; in addition, in silico or computational prediction software programs (SpliceSiteFinder, MaxEntScan, NNSPLICE, GeneSplicer, HumanSpliceFinder) do not predict a difference in splicing. The variant was identified in 76 of 12892 proband chromosomes (frequency: 0.006) from individuals or families with breast or ovarian cancer, or pancreatic carcinoma/melanoma-prone families (Balabas 2010, Bartsch 2009, Borg 2010, Schroeder 2010, Slater 2010, Stegel 2011, van der Hout 2006, Wagner 1999, Weber 2006, Yang 2009). The variant was also present in 5 of 310 control chromosomes (frequency: 0.016) from healthy individuals (Cvok 2008, Stegel 2011). The variant was identified in dbSNP (ID: rs28897734) with a minor allele frequency of 0.0016 (1000 Genomes Project), NHLBI Exome Sequencing Project (Exome Variant Server), Exome Aggregation Consortium (ExAC) database, Clinvitae database, Fanconi Anemia Mutation Database (LOVD), COSMIC, the ClinVar database (classified as â€šÃ„Ãºbenignâ€šÃ„Ã¹ by six submitters and â€šÃ„Ãºlikely benignâ€šÃ„Ã¹ by two submitters), GeneInsight COGR database (submitted by three clinical laboratories, with classifications of benign, presumed benign, and unclassified), the BIC database (11X with no clinical importance), and the BRCA Share (UMD) database (95X with a neutral classification). In the BRCA Share database, 15 samples were listed with co-occurring pathogenic BRCA1 or BRCA2 variants, increasing the likelihood that the p.Ser1733Ser variant is not clinically significant. The variant was identified at polymorphic allelic frequencies in two HAPMAP populations listed in the variantâ€šÃ„Ã´s dbSNP record: HAPMAP-TSI (Toscans in Italy) and HAPMAP-MEX (Mexican ancestry in Los Angeles). The variant is also found at a polymorphic frequency (72/6606 alleles, frequency 0.0109) in a population of European (Finnish) individuals identified in the Exome Aggregation Consortium (ExAC) database; one of these individuals was homozygous for the variant, and two individuals from a cohort of European (Non-Finnish) were also homozygotes, increasing the likelihood of this being a benign variant. In addition, Myriad classifies this variant as a polymorphism (personal communication). In summary, based on the above information, this variant meets our laboratory's criteria to be classified as benign.

Diagnostic Laboratory, Department of Genetics, University Medical Center Groningen
Classification: Benign for Breast-ovarian cancer, familial, susceptibility to, 2. Review status: no assertion criteria provided. Collection method: clinical testing. Allele origin: germline. Affected: yes. Study: VKGL Data-share Consensus. Not counted in ClinVar's aggregate classification.

Joint Genome Diagnostic Labs from Nijmegen and Maastricht, Radboudumc and MUMC+
Classification: Benign. Review status: no assertion criteria provided. Collection method: clinical testing. Allele origin: germline. Affected: yes. Study: VKGL Data-share Consensus. Not counted in ClinVar's aggregate classification.

Laboratory of Diagnostic Genome Analysis, Leiden University Medical Center (LUMC)
Classification: Benign. Review status: no assertion criteria provided. Collection method: clinical testing. Allele origin: germline. Affected: yes. Study: VKGL Data-share Consensus. Not counted in ClinVar's aggregate classification.

Literature cited by the submitters: DOI 10.3389/fgene.2022.834265 (cited by National Health Laboratory Service, Universitas Academic Hospital and University of the Free State); PubMed 20104584 (cited by Women's Health and Genetics/Laboratory Corporation of America, LabCorp and Counsyl); PubMed 21232165 (cited by Women's Health and Genetics/Laboratory Corporation of America, LabCorp and Counsyl); PubMed 20195775 (cited by Women's Health and Genetics/Laboratory Corporation of America, LabCorp); PubMed 19229607 (cited by Women's Health and Genetics/Laboratory Corporation of America, LabCorp and Counsyl); PubMed 18844490 (cited by Counsyl); PubMed 9971877 (cited by Counsyl); PubMed 16683254 (cited by Counsyl).